The following is an entry in ClinVar:

NM_032273.4(TMEM126A):c.535_537del (p.Lys179del)

Gene: TMEM126A (transmembrane protein 126A; plus strand). Cytogenetic location: 11q14.1.
Variant type: Deletion.
Coding change: c.535_537del on transcript NM_032273.4 (MANE Select); coding-DNA positions 535 to 537, 3 bases deleted (AAA; older notation c.535_537delAAA).
Protein change: p.Lys179del; deletes lysine 179.
Molecular consequence: inframe deletion.
Genome position (GRCh38, 1-based): chr11:85,656,448-85,656,450, AAA deleted. VCF-style (leftmost placement, unchanged base first): chr11-85656447-TAAA-T. GRCh37 (hg19) VCF-style: chr11-85367491-TAAA-T.
Other names: c.325_327del, p.Lys109del (NM_001244735.2); short protein forms K179del, K109del.
Identifiers: ClinVar variation 1382842 (VCV001382842.6), dbSNP rs2153314022, ClinGen allele CA2573147707.

ClinVar aggregate classification (germline): Uncertain significance (1 of 4 stars; one submission).

Submission:

Labcorp Genetics (formerly Invitae), Labcorp
Classification: Uncertain significance. Last evaluated: 2021-09-24. Review status: criteria provided, single submitter. Criteria: Invitae Variant Classification Sherloc (09022015). Collection method: clinical testing. Allele origin: germline.
Comment: This variant, c.535_537del, results in the deletion of 1 amino acid(s) of the TMEM126A protein (p.Lys179del), but otherwise preserves the integrity of the reading frame. This variant is not present in population databases (ExAC no frequency). This variant has not been reported in the literature in individuals affected with TMEM126A-related conditions. Experimental studies and prediction algorithms are not available or were not evaluated, and the functional significance of this variant is currently unknown. In summary, the available evidence is currently insufficient to determine the role of this variant in disease. Therefore, it has been classified as a Variant of Uncertain Significance.